The following is an entry in ClinVar:

ClinVar aggregate classification (germline): Likely benign (0 of 4 stars; one submission).

Conditions:
GANAB-related disorder. Also called: GANAB-related condition.

Allele frequency attached by ClinVar (database versions not stated): gnomAD exomes below 0.00001; TOPMed 0.00001.
gnomAD v4.1: 3 of 1,604,494 alleles (0.00019%); highest among the groups gnomAD compares: Non-Finnish European, 0.00017%; no homozygotes.

Submission:

PreventionGenetics, part of Exact Sciences
Classification: Likely benign for GANAB-related condition. Last evaluated: 2023-08-10. Review status: no assertion criteria provided. Collection method: clinical testing. Allele origin: germline.
Comment: This variant is classified as likely benign based on ACMG/AMP sequence variant interpretation guidelines (Richards et al. 2015 PMID: 25741868, with internal and published modifications).

NM_198334.3(GANAB):c.138C>T (p.Phe46=)

Gene: GANAB (glucosidase II alpha subunit; minus strand). Cytogenetic location: 11q12.3.
Variant type: single nucleotide variant.
Coding change: c.138C>T on transcript NM_198334.3 (MANE Select); coding-DNA position 138, C replaced by T.
Protein change: p.Phe46=; no amino-acid change (phenylalanine 46 retained).
Molecular consequence: synonymous variant. On other transcripts: 5 prime UTR variant (5), intron variant (2).
Genome position (GRCh38, 1-based): chr11:62,639,632, G>A on the plus strand (C>T on the coding strand, the complement: GANAB is on the minus strand). VCF-style: chr11-62639632-G-A. GRCh37 (hg19) VCF-style: chr11-62407104-G-A.
Other names: c.-45C>T (NM_001278194.2); c.-154C>T (NM_001329222.2); c.-150C>T (NM_001329223.2); c.-639C>T (NM_001329224.2, NM_001329225.2); c.138C>T, p.Phe46= (NM_198335.4); c.39-4632C>T (NM_001278193.2, NM_001278192.2).
Identifiers: ClinVar variation 3043927 (VCV003043927.2), dbSNP rs1438501200, ClinGen allele CA474878740.
Genomic context (GRCh38, chr11:62,639,632, plus strand): 5'-TCCCACATTACCCTACAACCCTACATTCCATCCCTCTCCCCCAGAAATATCATACTTGCA[G>A]AAAGAACTCTCTTCACAGGTCTTAAAGTTGCTTCTATCCACAGCAAGGGTAATCCCCAGG-3'
Protein context (NP_938148.1, residues 36-56): SNFKTCEESS[Phe46=]CKRQRSIRPG